The following is an entry in ClinVar:

NM_001128205.2(SULF1):c.2509G>A (p.Gly837Arg)

Gene: SULF1 (sulfatase 1; plus strand). Cytogenetic location: 8q13.3.
Variant type: single nucleotide variant.
Coding change: c.2509G>A on transcript NM_001128205.2 (MANE Select); coding-DNA position 2509, G replaced by A.
Protein change: p.Gly837Arg; replaces glycine 837 with arginine.
Molecular consequence: missense variant. On other transcripts: non-coding transcript variant (7).
Genome position (GRCh38, 1-based): chr8:69,638,816, G>A. VCF-style: chr8-69638816-G-A. GRCh37 (hg19) VCF-style: chr8-70551051-G-A.
Other names: c.2509G>A, p.Gly837Arg (NM_001128204.2, NM_001128206.2, NM_001412828.1 and 7 more transcripts); c.2380G>A, p.Gly794Arg (NM_001412832.1, NM_001412838.1, NM_001412839.1 and 1 more transcripts); c.2452G>A, p.Gly818Arg (NM_001412836.1, NM_001412837.1); c.2323G>A, p.Gly775Arg (NM_001412841.1, NM_001412842.1); c.1909G>A, p.Gly637Arg (NM_001412844.1, NM_001412845.1); c.718G>A, p.Gly240Arg (NM_001412846.1); c.2366G>A, p.Arg789Lys (NM_001412850.1, NM_001412851.1); short protein forms G240R, G818R, G637R, G775R, G837R, G794R, R789K.
Identifiers: ClinVar variation 3683742 (VCV003683742.2).
Genomic context (GRCh38, chr8:69,638,816, plus strand): 5'-GTAGAACGAGGCATTTTGAATCAGCTACACGTACAACTAATGGAGCTCAGAAGCTGTCAA[G>A]GATATAAGCAGTGCAACCCAAGACCTAAGAATCTTGATGTTGGTAAGGAAAAAAATACTA-3'
Protein context (NP_001121677.1, residues 827-847): VQLMELRSCQ[Gly837Arg]YKQCNPRPKN

ClinVar aggregate classification (germline): Uncertain significance (1 of 4 stars; one submission).

gnomAD v4.1: 2 of 1,614,080 alleles (0.00012%); highest among the groups gnomAD compares: South Asian, 0.0022%; no homozygotes.

Submission:

Labcorp Genetics (formerly Invitae), Labcorp
Classification: Uncertain significance. Last evaluated: 2024-02-06. Review status: criteria provided, single submitter. Criteria: Invitae Variant Classification Sherloc (09022015). Collection method: clinical testing. Allele origin: germline.
Comment: This sequence change replaces glycine, which is neutral and non-polar, with arginine, which is basic and polar, at codon 837 of the SULF1 protein (p.Gly837Arg). This variant is present in population databases (no rsID available, gnomAD 0.003%). This variant has not been reported in the literature in individuals affected with SULF1-related conditions. An algorithm developed to predict the effect of missense changes on protein structure and function (PolyPhen-2) suggests that this variant is likely to be disruptive. In summary, the available evidence is currently insufficient to determine the role of this variant in disease. Therefore, it has been classified as a Variant of Uncertain Significance.